The following is an entry in ClinVar:

ClinVar aggregate classification (germline): Uncertain significance (1 of 4 stars; one submission).

gnomAD v4.1: 13 of 1,613,320 alleles (0.00081%); highest among the groups gnomAD compares: South Asian, 0.012%; no homozygotes.

Submission:

Ambry Genetics
Classification: Uncertain significance. Last evaluated: 2025-11-08. Review status: criteria provided, single submitter. Criteria: Ambry Variant Classification Scheme 2023. Collection method: clinical testing. Allele origin: germline.
Comment: The c.6089C>G (p.P2030R) alteration is located in exon 41 (coding exon 40) of the HECTD4 gene. This alteration results from a C to G substitution at nucleotide position 6089, causing the proline (P) at amino acid position 2030 to be replaced by an arginine (R). Based on data from gnomAD, the G allele has an overall frequency of 0.003% (8/248964) total alleles studied. The highest observed frequency was 0.02% (6/30574) of South Asian alleles. Based on insufficient or conflicting evidence, the clinical significance of this alteration remains unclear.

NM_001388303.1(HECTD4):c.6605C>G (p.Pro2202Arg)

Gene: HECTD4 (HECT domain E3 ubiquitin protein ligase 4; minus strand). Cytogenetic location: 12q24.13.
Variant type: single nucleotide variant.
Coding change: c.6605C>G on transcript NM_001388303.1 (MANE Select); coding-DNA position 6605, C replaced by G.
Protein change: p.Pro2202Arg; replaces proline 2202 with arginine.
Molecular consequence: missense variant.
Genome position (GRCh38, 1-based): chr12:112,228,726, G>C on the plus strand (C>G on the coding strand, the complement: HECTD4 is on the minus strand). VCF-style: chr12-112228726-G-C. GRCh37 (hg19) VCF-style: chr12-112666530-G-C.
Other names: c.6635C>G, p.Pro2212Arg (NM_001109662.4); short protein forms P2202R, P2212R.
Identifiers: ClinVar variation 4675533 (VCV004675533.1).
Genomic context (GRCh38, chr12:112,228,726, plus strand): 5'-AGTCTAGACAATGGAATAGTCAATGTGTCTGACGCTTGCGAAGTCTTTCTACAGTCTATG[G>C]GTGGGAATCTGACTGTAGCTATACCTTCCTGTTCATTGATAGAAGCCACTACTCCAATGC-3'
Protein context (NP_001375232.1, residues 2192-2212): QEGIATVRFP[Pro2202Arg]IDCRKTSQAS